The following is an entry in ClinVar:

NM_005559.4(LAMA1):c.2657C>T (p.Ala886Val)

Gene: LAMA1 (laminin subunit alpha 1; minus strand). Cytogenetic location: 18p11.31.
Variant type: single nucleotide variant.
Coding change: c.2657C>T on transcript NM_005559.4 (MANE Select); coding-DNA position 2657, C replaced by T.
Protein change: p.Ala886Val; replaces alanine 886 with valine.
Molecular consequence: missense variant.
Genome position (GRCh38, 1-based): chr18:7,023,208, G>A on the plus strand (C>T on the coding strand, the complement: LAMA1 is on the minus strand). VCF-style: chr18-7023208-G-A. GRCh37 (hg19) VCF-style: chr18-7023207-G-A.
Other names: p.Ala886Val; short protein forms A886V.
Identifiers: ClinVar variation 235727 (VCV000235727.40), dbSNP rs144738522, ClinGen allele CA8882586.
Genomic context (GRCh38, chr18:7,023,208, plus strand): 5'-ACGCTCACGCACTCACCGCGGCAGTTCTTGGCTGTCACAGCGTCCCCATAGAACCCGTCA[G>A]CACACCTTTCACAGTGGGCGCCATCTGTGTTCCCCAGGCACTTCAGGCACTCCCCGGTGA-3'
Protein context (NP_005550.2, residues 876-896): NTDGAHCERC[Ala886Val]DGFYGDAVTA

ClinVar aggregate classification (germline): Conflicting classifications of pathogenicity. Review status: criteria provided, conflicting classifications (1 of 4 stars). 6 submissions from 6 submitters: Uncertain significance (1); Benign (1); Likely benign (3). 1 of the submissions does not count toward it. Last evaluated 2026-05-01.

Conditions:
LAMA1-related disorder. Also called: LAMA1-related disorders; LAMA1-related condition.

Allele frequency attached by ClinVar (database versions not stated): 1000 Genomes Project 0.00140; 1000 Genomes Project 30x 0.00141; gnomAD 0.00206 and 0.00225; gnomAD exomes 0.00209 and 0.00315; ExAC 0.00225; TOPMed 0.00246; ESP Exome Variant Server 0.00261.
gnomAD v4.1: 4,915 of 1,613,534 alleles (0.3%); highest among the groups gnomAD compares: Non-Finnish European, 0.37%; 11 homozygotes.

Submissions (6):

CeGaT Center for Human Genetics Tuebingen
Classification: Likely benign. Last evaluated: 2026-05-01. Review status: criteria provided, single submitter. Criteria: CeGaT Center For Human Genetics Tuebingen Variant Classification Criteria Version 2. Collection method: clinical testing. Allele origin: germline. Affected: yes. Observed: 11 variant alleles.
Comment: LAMA1: BP4, BS2

Labcorp Genetics (formerly Invitae), Labcorp
Classification: Benign. Last evaluated: 2026-01-19. Review status: criteria provided, single submitter. Criteria: Invitae Variant Classification Sherloc (09022015). Collection method: clinical testing. Allele origin: germline.

Mayo Clinic Laboratories, Mayo Clinic
Classification: Likely benign. Last evaluated: 2025-05-10. Review status: criteria provided, single submitter. Criteria: ACMG Guidelines, 2015. Collection method: clinical testing. Allele origin: germline. Observed: 3 variant alleles.
Comment: BS1, BP2

Blueprint Genetics
Classification: Likely benign. Last evaluated: 2024-11-23. Review status: criteria provided, single submitter. Criteria: ACMG Guidelines, 2015. Collection method: clinical testing. Allele origin: germline.

Center for Pediatric Genomic Medicine, Children's Mercy Hospital and Clinics
Classification: Uncertain significance. Last evaluated: 2016-02-01. Review status: criteria provided, single submitter. Criteria: ACMG Guidelines, 2015. Collection method: clinical testing. Allele origin: germline.
ClinVar note: Converted during submission from Uncertain Significance to Uncertain significance.

PreventionGenetics, part of Exact Sciences
Classification: Likely benign for LAMA1-related condition. Last evaluated: 2023-06-08. Review status: no assertion criteria provided. Collection method: clinical testing. Allele origin: germline. Not counted in ClinVar's aggregate classification.
Comment: This variant is classified as likely benign based on ACMG/AMP sequence variant interpretation guidelines (Richards et al. 2015 PMID: 25741868, with internal and published modifications).

Literature cited by the submitters: PubMed 25105227 (cited by Mayo Clinic Laboratories, Mayo Clinic).